The following is an entry in ClinVar:

NM_031307.4(PUS3):c.1264G>A (p.Gly422Arg)

Genes: HYLS1 (HYLS1 centriolar and ciliogenesis associated; plus strand), PUS3 (pseudouridine synthase 3; minus strand). Cytogenetic location: 11q24.2.
Variant type: single nucleotide variant.
Coding change: c.1264G>A on transcript NM_031307.4 (MANE Select); coding-DNA position 1264, G replaced by A.
Protein change: p.Gly422Arg; replaces glycine 422 with arginine.
Molecular consequence: missense variant. On other transcripts: intron variant (5).
Genome position (GRCh38, 1-based): chr11:125,893,967, C>T on the plus strand (G>A on the coding strand, the complement: PUS3 is on the minus strand). VCF-style: chr11-125893967-C-T. GRCh37 (hg19) VCF-style: chr11-125763862-C-T.
Other names: c.640G>A, p.Gly214Arg (NM_001271985.2); c.-81+2495C>T (NM_145014.3); c.-26+2495C>T (NM_001134793.2); c.-23+2495C>T (NM_001424364.1); c.-25-5377C>T (NM_001377269.1); c.-22-5380C>T (NM_001377270.1); short protein forms G214R, G422R.
Identifiers: ClinVar variation 728635 (VCV000728635.11), dbSNP rs117855259, ClinGen allele CA6350351.
Genomic context (GRCh38, chr11:125,893,967, plus strand): 5'-ATAAATGTGGGTGCTCAATTCGTCCCCTACGTACAAAATGCTGGATCCGGGATTCCAGTC[C>T]TTGGCATTTAGGACGGTCCATGAGGGGCTTATATGTGCGCATCTTCACTCCTTCTACAAA-3'
Protein context (NP_112597.4, residues 412-432): KPLMDRPKCQ[Gly422Arg]LESRIQHFVR

ClinVar aggregate classification (germline): Benign. Review status: criteria provided, single submitter (1 of 4 stars). 2 submissions from 2 submitters: Benign (1). 1 of the submissions does not count toward it. Last evaluated 2025-06-04.

Conditions:
PUS3-related disorder. Also called: PUS3-related condition.

Allele frequency attached by ClinVar (database versions not stated): gnomAD 0.00039 and 0.00056; gnomAD exomes 0.00053 and 0.00138; TOPMed 0.00075; ExAC 0.00138; 1000 Genomes Project 30x 0.00219; 1000 Genomes Project 0.00240.
gnomAD v4.1: 866 of 1,614,132 alleles (0.054%); highest among the groups gnomAD compares: East Asian, 1.8%; 10 homozygotes.

Submissions (2):

Labcorp Genetics (formerly Invitae), Labcorp
Classification: Benign. Last evaluated: 2025-06-04. Review status: criteria provided, single submitter. Criteria: Invitae Variant Classification Sherloc (09022015). Collection method: clinical testing. Allele origin: germline.

PreventionGenetics, part of Exact Sciences
Classification: Benign for PUS3-related condition. Last evaluated: 2019-10-28. Review status: no assertion criteria provided. Collection method: clinical testing. Allele origin: germline. Not counted in ClinVar's aggregate classification.
Comment: This variant is classified as benign based on ACMG/AMP sequence variant interpretation guidelines (Richards et al. 2015 PMID: 25741868, with internal and published modifications).